The following is an entry in ClinVar:

ClinVar aggregate classification (germline): Uncertain significance (1 of 4 stars; one submission).

Conditions:
Camptosynpolydactyly, complex (CCSPD). Also called: CAMPTOPOLYDACTYLY, DISORGANIZATION TYPE. Identifiers: MedGen C1843758, MONDO:0011853, OMIM 607539.
Mesoaxial synostotic syndactyly with phalangeal reduction. Identifiers: Orphanet 157801, MedGen C1836206, MONDO:0012271, OMIM 609432.

Submission:

Juno Genomics, Hangzhou Juno Genomics, Inc
Classification: Uncertain significance for Mesoaxial synostotic syndactyly with phalangeal reduction; Camptosynpolydactyly, complex. Review status: criteria provided, single submitter. Criteria: ACMG Guidelines, 2015. Collection method: clinical testing. Allele origin: germline.
Comment: Absent from controls (or at extremely low frequency if recessive) in Genome Aggregation Database.

NM_001164405.2(BHLHA9):c.175_176del (p.Arg59fs)

Gene: BHLHA9 (basic helix-loop-helix family member a9; plus strand). Cytogenetic location: 17p13.3.
Variant type: Microsatellite.
Coding change: c.175_176del on transcript NM_001164405.2 (MANE Select); coding-DNA positions 175 to 176, 2 bases deleted (CG; older notation c.175_176delCG).
Protein change: p.Arg59fs; shifts the reading frame from arginine 59.
Molecular consequence: frameshift variant.
Genome position (GRCh38, 1-based): chr17:1,270,738-1,270,739, CG deleted; deleting any 2 consecutive bases within chr17:1,270,731-1,270,739 gives the same sequence; the c. name uses the placement nearest the transcript's 3' end. VCF-style (leftmost placement, unchanged base first): chr17-1270730-GGC-G. GRCh37 (hg19) VCF-style: chr17-1174024-GGC-G.
Other names: short protein forms R59fs.
Identifiers: ClinVar variation 5005690 (VCV005005690.2).